The following is an entry in ClinVar:

ClinVar aggregate classification (germline): Uncertain significance (1 of 4 stars; one submission).

Submission:

Ambry Genetics
Classification: Uncertain significance. Last evaluated: 2026-04-09. Review status: criteria provided, single submitter. Criteria: Ambry Variant Classification Scheme 2023. Collection method: clinical testing. Allele origin: germline.
Comment: The c.305T>C (p.L102P) alteration is located in exon 2 (coding exon 2) of the SPANXN2 gene. This alteration results from a T to C substitution at nucleotide position 305, causing the leucine (L) at amino acid position 102 to be replaced by a proline (P). Based on data from gnomAD, the C allele has an overall frequency of <0.001% (1/183511) total alleles studied. The highest observed frequency was 0.001% (1/81948) of European (non-Finnish) alleles. Based on insufficient or conflicting evidence, the clinical significance of this alteration remains unclear.

NM_001009615.3(SPANXN2):c.305T>C (p.Leu102Pro)

Gene: SPANXN2 (SPANX family member N2; minus strand). Cytogenetic location: Xq27.3.
Variant type: single nucleotide variant.
Coding change: c.305T>C on transcript NM_001009615.3 (MANE Select); coding-DNA position 305, T replaced by C.
Protein change: p.Leu102Pro; replaces leucine 102 with proline.
Molecular consequence: missense variant.
Genome position (GRCh38, 1-based): chrX:143,712,273, A>G on the plus strand (T>C on the coding strand, the complement: SPANXN2 is on the minus strand). VCF-style: chrX-143712273-A-G. GRCh37 (hg19) VCF-style: chrX-142795373-A-G.
Other names: short protein forms L102P.
Identifiers: ClinVar variation 4864975 (VCV004864975.1).